The following is an entry in ClinVar:

ClinVar aggregate classification (germline): Pathogenic. Review status: reviewed by expert panel (3 of 4 stars). 2 submissions from 2 submitters: Pathogenic (1). 1 of the submissions does not count toward it. Last evaluated 2016-09-08.

Conditions:
Hereditary cancer-predisposing syndrome. Also called: Neoplastic Syndromes, Hereditary; Hereditary Cancer Syndrome; Hereditary neoplastic syndrome; Tumor predisposition. Identifiers: Orphanet 140162, MedGen C0027672, MeSH D009386, MONDO:0015356.
Breast-ovarian cancer, familial, susceptibility to, 2 (BROVCA2). Also called: BRCA2 Hereditary Breast and Ovarian Cancer. Identifiers: Orphanet 145, MedGen C2675520, MONDO:0012933, OMIM 612555. Disease mechanism: loss of function.

Submissions (2):

Evidence-based Network for the Interpretation of Germline Mutant Alleles (ENIGMA)
Classification: Pathogenic for Breast-ovarian cancer, familial, susceptibility to, 2. Last evaluated: 2016-09-08. Review status: reviewed by expert panel. Criteria: ENIGMA BRCA1/2 Classification Criteria (2015). Collection method: curation. Allele origin: germline.
Comment: Variant allele predicted to encode a truncated non-functional protein.

Ambry Genetics
Classification: Pathogenic for Hereditary cancer-predisposing syndrome. Last evaluated: 2013-10-30. Review status: criteria provided, single submitter. Criteria: Ambry Autosomal Dominant and X-Linked criteria (10/2015). Collection method: clinical testing. Allele origin: germline. Observed: 1 variant allele. Not counted in ClinVar's aggregate classification.
Comment: Ã¢â‚¬â€¹The c.6349dupT pathogenic mutation (also known as 6577insT), located in coding exon 10 of the BRCA2 gene, results from a duplication of T at position 6349, causing a translational frameshift with a predicted alternate stop codon. Since frameshifts are typically deleterious in nature, this alteration is interpreted as a disease-causing mutation (ACMG Recommendations for Standards for Interpretation and Reporting of Sequence Variations. Revision 2007. Genet Med. 2008;10:294).

NM_000059.4(BRCA2):c.6349dup (p.Cys2117fs)

Gene: BRCA2 (BRCA2 DNA repair associated; plus strand). Cytogenetic location: 13q13.1.
Variant type: Duplication.
Coding change: c.6349dup on transcript NM_000059.4 (MANE Select); coding-DNA position 6349, one base duplicated (T; older notation c.6349dupT).
Protein change: p.Cys2117fs; shifts the reading frame from cysteine 2117.
Molecular consequence: frameshift variant.
Genome position (GRCh38, 1-based): chr13:32,340,704, T duplicated. VCF-style (leftmost placement, unchanged base first): chr13-32340703-C-CT. GRCh37 (hg19) VCF-style: chr13-32914840-C-CT.
Other names: c.6349dupT (NM_000059.3); short protein forms C2117fs.
Identifiers: ClinVar variation 141195 (VCV000141195.6), dbSNP rs587781566, ClinGen allele CA023940.